The following is an entry in ClinVar:

NM_014908.4(DOLK):c.1035A>G (p.Val345=)

Gene: DOLK (dolichol kinase; minus strand). Cytogenetic location: 9q34.11.
Variant type: single nucleotide variant.
Coding change: c.1035A>G on transcript NM_014908.4 (MANE Select); coding-DNA position 1035, A replaced by G.
Protein change: p.Val345=; no amino-acid change (valine 345 retained).
Molecular consequence: synonymous variant.
Genome position (GRCh38, 1-based): chr9:128,946,269, T>C on the plus strand (A>G on the coding strand, the complement: DOLK is on the minus strand). VCF-style: chr9-128946269-T-C. GRCh37 (hg19) VCF-style: chr9-131708548-T-C.
Identifiers: ClinVar variation 227330 (VCV000227330.4), dbSNP rs876657455, ClinGen allele CA10576743.

ClinVar aggregate classification (germline): Likely benign. Review status: criteria provided, multiple submitters, no conflicts (2 of 4 stars). 2 submissions from 2 submitters: Likely benign (2). Last evaluated 2016-08-04.

Allele frequency attached by ClinVar (database versions not stated): gnomAD exomes below 0.00001.

Submissions (2):

GeneDx
Classification: Likely benign. Last evaluated: 2016-08-04. Review status: criteria provided, single submitter. Criteria: GeneDx Variant Classification (06012015). Collection method: clinical testing. Allele origin: germline. Affected: yes.
Comment: This variant is considered likely benign or benign based on one or more of the following criteria: it is a conservative change, it occurs at a poorly conserved position in the protein, it is predicted to be benign by multiple in silico algorithms, and/or has population frequency not consistent with disease.

Laboratory for Molecular Medicine, Mass General Brigham Personalized Medicine
Classification: Likely benign. Last evaluated: 2015-06-11. Review status: criteria provided, single submitter. Criteria: LMM Criteria. Collection method: clinical testing. Allele origin: germline. Observed: 1 variant allele.
Comment: p.Val345Val in exon 1 of DOLK: This variant is not expected to have clinical sig nificance because it does not alter an amino acid residue and is not located wit hin the splice consensus sequence.